The following is an entry in ClinVar:

NM_015046.7(SETX):c.6803C>T (p.Pro2268Leu)

Gene: SETX (senataxin; minus strand). Cytogenetic location: 9q34.13.
Variant type: single nucleotide variant.
Coding change: c.6803C>T on transcript NM_015046.7 (MANE Select); coding-DNA position 6803, C replaced by T.
Protein change: p.Pro2268Leu; replaces proline 2268 with leucine.
Molecular consequence: missense variant.
Genome position (GRCh38, 1-based): chr9:132,278,109, G>A on the plus strand (C>T on the coding strand, the complement: SETX is on the minus strand). VCF-style: chr9-132278109-G-A. GRCh37 (hg19) VCF-style: chr9-135153496-G-A.
Other names: c.6803C>T, p.Pro2268Leu (NM_001351527.2, NM_001351528.2); short protein forms P2268L.
Identifiers: ClinVar variation 2412981 (VCV002412981.3), dbSNP rs1415956081, ClinGen allele CA375330922.

ClinVar aggregate classification (germline): Uncertain significance (1 of 4 stars; one submission).

Allele frequency attached by ClinVar (database versions not stated): TOPMed below 0.00001.

Submission:

GeneDx
Classification: Uncertain significance. Last evaluated: 2022-07-25. Review status: criteria provided, single submitter. Criteria: GeneDx Variant Classification Process June 2021. Collection method: clinical testing. Allele origin: germline. Affected: yes.
Comment: Not observed at significant frequency in large population cohorts (gnomAD); In silico analysis supports that this missense variant has a deleterious effect on protein structure/function; Has not been previously published as pathogenic or benign to our knowledge